The following is an entry in ClinVar:

ClinVar aggregate classification (germline): Pathogenic (1 of 4 stars; one submission).

Conditions:
Maple syrup urine disease (MSUD). Identifiers: Orphanet 511, MedGen C0024776, MeSH D008375, MONDO:0009563. Disease mechanism: loss of function.

Submission:

Labcorp Genetics (formerly Invitae), Labcorp
Classification: Pathogenic for Maple syrup urine disease. Last evaluated: 2020-07-19. Review status: criteria provided, single submitter. Criteria: Invitae Variant Classification Sherloc (09022015). Collection method: clinical testing. Allele origin: germline.
Comment: A gross deletion of the genomic region encompassing the full coding sequence of the BCKDHA gene has been identified. The boundaries of this event are unknown as the deletion extends beyond the assayed region for this gene and therefore may encompass additional genes. This variant has not been reported in the literature in individuals with BCKDHA-related conditions. Loss-of-function variants in BCKDHA are known to be pathogenic (PMID: 16786533, 22593002). For these reasons, this variant has been classified as Pathogenic.

Literature cited by the submitters: PubMed 16786533; PubMed 22593002.

NC_000019.9:g.(?_41903723)_(41930736_?)del

Gene: BCKDHA (branched chain keto acid dehydrogenase E1 subunit alpha; plus strand). Cytogenetic location: 19q13.2.
Variant type: Deletion.
Identifiers: ClinVar variation 1075614 (VCV001075614.5).